The following is an entry in ClinVar:

NM_000051.4(ATM):c.2442C>T (p.Asp814=)

Gene: ATM (ATM serine/threonine kinase; plus strand). Cytogenetic location: 11q22.3.
Variant type: single nucleotide variant.
Coding change: c.2442C>T on transcript NM_000051.4 (MANE Select); coding-DNA position 2442, C replaced by T.
Protein change: p.Asp814=; no amino-acid change (aspartic acid 814 retained).
Molecular consequence: synonymous variant.
Genome position (GRCh38, 1-based): chr11:108,259,051, C>T. VCF-style: chr11-108259051-C-T. GRCh37 (hg19) VCF-style: chr11-108129778-C-T.
Other names: c.2442C>T, p.Asp814= (NM_001351834.2).
Identifiers: ClinVar variation 185268 (VCV000185268.19), dbSNP rs3218695, ClinGen allele CA191486.

ClinVar aggregate classification (germline): Benign/Likely benign. Review status: criteria provided, multiple submitters, no conflicts (2 of 4 stars). 6 submissions from 6 submitters: Benign (1); Likely benign (5). Last evaluated 2026-01-28.

Conditions:
Hereditary cancer-predisposing syndrome. Also called: Tumor predisposition; Hereditary Cancer Syndrome; Hereditary neoplastic syndrome; Neoplastic Syndromes, Hereditary. Identifiers: Orphanet 140162, MedGen C0027672, MeSH D009386, MONDO:0015356.
Familial cancer of breast. Also called: BREAST CANCER, FAMILIAL; hereditary breast carcinoma; Hereditary breast cancer. Identifiers: Orphanet 227535, MedGen C0346153, MONDO:0016419, OMIM 114480. Disease mechanism: loss of function.
Ataxia-telangiectasia syndrome (AT). Also called: LOUIS-BAR SYNDROME; Cerebello-oculocutaneous telangiectasia; Immunodeficiency with ataxia telangiectasia; ATAXIA-TELANGIECTASIA, COMPLEMENTATION GROUP A; ATAXIA-TELANGIECTASIA, FRESNO VARIANT; Ataxia-telangiectasia. Identifiers: Orphanet 100, MedGen C0004135, MONDO:0008840, OMIM 208900.

Allele frequency attached by ClinVar (database versions not stated): TOPMed 0.00007.
gnomAD v4.1: 5 of 1,613,398 alleles (0.00031%); highest among the groups gnomAD compares: African/African-American, 0.0053%; no homozygotes.

Submissions (6):

Labcorp Genetics (formerly Invitae), Labcorp
Classification: Likely benign for Ataxia-telangiectasia syndrome. Last evaluated: 2026-01-28. Review status: criteria provided, single submitter. Criteria: Invitae Variant Classification Sherloc (09022015). Collection method: clinical testing. Allele origin: germline.

Women's Health and Genetics/Laboratory Corporation of America, LabCorp
Classification: Likely benign. Last evaluated: 2025-01-05. Review status: criteria provided, single submitter. Criteria: LabCorp Variant Classification Summary - May 2015. Collection method: clinical testing. Allele origin: germline.

Myriad Genetics, Inc.
Classification: Benign for Familial cancer of breast. Last evaluated: 2024-05-08. Review status: criteria provided, single submitter. Criteria: Myriad Autosomal Dominant, Autosomal Recessive and X-Linked Classification Criteria (2023). Collection method: clinical testing. Allele origin: unknown.
Comment: This variant is considered benign. This variant is a silent/synonymous amino acid change and it is not expected to impact splicing.

Sema4
Classification: Likely benign for Hereditary cancer-predisposing syndrome. Last evaluated: 2020-10-23. Review status: criteria provided, single submitter. Criteria: Sema4 Curation Guidelines. Collection method: curation. Allele origin: germline.

GeneDx
Classification: Likely benign. Last evaluated: 2017-10-16. Review status: criteria provided, single submitter. Criteria: GeneDx Variant Classification (06012015). Collection method: clinical testing. Allele origin: germline. Affected: yes.
Comment: This variant is considered likely benign or benign based on one or more of the following criteria: it is a conservative change, it occurs at a poorly conserved position in the protein, it is predicted to be benign by multiple in silico algorithms, and/or has population frequency not consistent with disease.

Ambry Genetics
Classification: Likely benign for Hereditary cancer-predisposing syndrome. Last evaluated: 2014-06-30. Review status: criteria provided, single submitter. Criteria: Ambry Variant Classification Scheme 2023. Collection method: clinical testing. Allele origin: germline.